The following is an entry in ClinVar:

ClinVar aggregate classification (germline): Uncertain significance (1 of 4 stars; one submission).

Conditions:
Emery-Dreifuss muscular dystrophy 5, autosomal dominant (EDMD5). Also called: EMERY-DREIFUSS MUSCULAR DYSTROPHY 5. Identifiers: Orphanet 261, MedGen C2751805, MONDO:0013072, OMIM 612999.

gnomAD v4.1: 18 of 1,612,656 alleles (0.0011%); highest among the groups gnomAD compares: East Asian, 0.0089%; no homozygotes.

Submission:

Labcorp Genetics (formerly Invitae), Labcorp
Classification: Uncertain significance for Emery-Dreifuss muscular dystrophy 5, autosomal dominant. Last evaluated: 2025-09-16. Review status: criteria provided, single submitter. Criteria: Invitae Variant Classification Sherloc (09022015). Collection method: clinical testing. Allele origin: germline.
Comment: This sequence change replaces arginine, which is basic and polar, with histidine, which is basic and polar, at codon 2964 of the SYNE2 protein (p.Arg2964His). This variant is present in population databases (rs769752828, gnomAD 0.003%). This variant has not been reported in the literature in individuals affected with SYNE2-related conditions. An algorithm developed to predict the effect of missense changes on protein structure and function outputs the following: PolyPhen-2: "Benign". The histidine amino acid residue is found in multiple mammalian species, which suggests that this missense change does not adversely affect protein function. In summary, the available evidence is currently insufficient to determine the role of this variant in disease. Therefore, it has been classified as a Variant of Uncertain Significance.

NM_182914.3(SYNE2):c.8891G>A (p.Arg2964His)

Gene: SYNE2 (spectrin repeat containing nuclear envelope protein 2; plus strand). Cytogenetic location: 14q23.2.
Variant type: single nucleotide variant.
Coding change: c.8891G>A on transcript NM_182914.3 (MANE Select); coding-DNA position 8891, G replaced by A.
Protein change: p.Arg2964His; replaces arginine 2964 with histidine.
Molecular consequence: missense variant.
Genome position (GRCh38, 1-based): chr14:64,052,804, G>A. VCF-style: chr14-64052804-G-A. GRCh37 (hg19) VCF-style: chr14-64519522-G-A.
Other names: c.8891G>A, p.Arg2964His (NM_015180.6); short protein forms R2964H.
Identifiers: ClinVar variation 4781474 (VCV004781474.1).
Genomic context (GRCh38, chr14:64,052,804, plus strand): 5'-TTTGCAGACAATTCCATGAAAAAACATCAGCGCTTCAGGAGGAGGCTGACAGTATACAGC[G>A]CAATGAACTATTACTTAATCAAGAAGTAAATAAAGGTGTTAAAGAGGAGATCTATAATCT-3'
Protein context (NP_878918.2, residues 2954-2974): ALQEEADSIQ[Arg2964His]NELLLNQEVN